The following is an entry in ClinVar:

NM_182920.2(ADAMTS9):c.1807del (p.Thr603fs)

Gene: ADAMTS9 (ADAM metallopeptidase with thrombospondin type 1 motif 9; minus strand). Cytogenetic location: 3p14.1.
Variant type: Deletion.
Coding change: c.1807del on transcript NM_182920.2 (MANE Select); coding-DNA position 1807, one base deleted (A; older notation c.1807delA).
Protein change: p.Thr603fs; shifts the reading frame from threonine 603.
Molecular consequence: frameshift variant.
Genome position (GRCh38, 1-based): chr3:64,641,897, T deleted on the plus strand (A on the coding strand, the reverse complement: ADAMTS9 is on the minus strand); the first of 2 consecutive T bases (chr3:64,641,897-64,641,898); deleting either gives the same sequence. VCF-style (leftmost placement, unchanged base first): chr3-64641896-GT-G. GRCh37 (hg19) VCF-style: chr3-64627572-GT-G.
Other names: c.1723del, p.Thr575fs (NM_001318781.2); short protein forms T575fs, T603fs.
Identifiers: ClinVar variation 1401799 (VCV001401799.6), dbSNP rs2106922311, ClinGen allele CA2573137394.

ClinVar aggregate classification (germline): Uncertain significance (1 of 4 stars; one submission).

Submission:

Labcorp Genetics (formerly Invitae), Labcorp
Classification: Uncertain significance. Last evaluated: 2021-06-28. Review status: criteria provided, single submitter. Criteria: Invitae Variant Classification Sherloc (09022015). Collection method: clinical testing. Allele origin: germline.
Comment: This sequence change creates a premature translational stop signal (p.Thr603Hisfs*26) in the ADAMTS9 gene. It is expected to result in an absent or disrupted protein product. However, the current clinical and genetic evidence is not sufficient to establish whether loss-of-function variants in ADAMTS9 cause disease. This variant is not present in population databases (ExAC no frequency). This variant has not been reported in the literature in individuals affected with ADAMTS9-related conditions. In summary, the available evidence is currently insufficient to determine the role of this variant in disease. Therefore, it has been classified as a Variant of Uncertain Significance.